The following is an entry in ClinVar:

ClinVar aggregate classification (germline): Conflicting classifications of pathogenicity. Review status: criteria provided, conflicting classifications (1 of 4 stars). 2 submissions from 2 submitters: Likely pathogenic (1); Uncertain significance (1). Last evaluated 2022-09-16.

Conditions:
Retinitis pigmentosa 26 (RP26). Identifiers: Orphanet 791, MedGen C1842127, MONDO:0012024, OMIM 608380.

Submissions (2):

Baylor Genetics
Classification: Likely pathogenic for Retinitis pigmentosa 26. Last evaluated: 2022-09-16. Review status: criteria provided, single submitter. Criteria: ACMG Guidelines, 2015. Collection method: clinical testing. Allele origin: unknown.

Labcorp Genetics (formerly Invitae), Labcorp
Classification: Uncertain significance. Last evaluated: 2022-02-05. Review status: criteria provided, single submitter. Criteria: Invitae Variant Classification Sherloc (09022015). Collection method: clinical testing. Allele origin: germline.
Comment: This sequence change creates a premature translational stop signal (p.Arg500Ilefs*25) in the CERKL gene. While this is not anticipated to result in nonsense mediated decay, it is expected to disrupt the last 59 amino acid(s) of the CERKL protein. This variant is present in population databases (rs779653459, gnomAD 0.0009%). This variant has not been reported in the literature in individuals affected with CERKL-related conditions. In summary, the available evidence is currently insufficient to determine the role of this variant in disease. Therefore, it has been classified as a Variant of Uncertain Significance.

NM_201548.5(CERKL):c.1421_1424del (p.Arg474fs)

Gene: CERKL (CERK like autophagy regulator; minus strand). Cytogenetic location: 2q31.3.
Variant type: Deletion.
Coding change: c.1421_1424del on transcript NM_201548.5 (MANE Select); coding-DNA positions 1421 to 1424, 4 bases deleted (GGAA; older notation c.1421_1424delGGAA).
Protein change: p.Arg474fs; shifts the reading frame from arginine 474.
Molecular consequence: frameshift variant. On other transcripts: non-coding transcript variant (2).
Genome position (GRCh38, 1-based): chr2:181,539,206-181,539,209, TTCC deleted on the plus strand (GGAA on the coding strand, the reverse complement: CERKL is on the minus strand); deleting any 4 consecutive bases within chr2:181,539,206-181,539,211 gives the same sequence; the c. name uses the placement nearest the transcript's 3' end. VCF-style (leftmost placement, unchanged base first): chr2-181539205-ATTCC-A. GRCh37 (hg19) VCF-style: chr2-182403932-ATTCC-A.
Other names: c.1499_1502del, p.Arg500fs (NM_001030311.3); c.1082_1085del, p.Arg361fs (NM_001030312.3); c.1214_1217del, p.Arg405fs (NM_001030313.3); c.*701_*704delAAGG (NM_001030314.1, NM_001030315.1); c.1367_1370del, p.Arg456fs (NM_001160277.2); short protein forms R500fs, R456fs, R474fs, R361fs, R405fs.
Identifiers: ClinVar variation 1951763 (VCV001951763.5), dbSNP rs779653459, ClinGen allele CA2010429.